The following is an entry in ClinVar:

ClinVar aggregate classification (germline): Likely benign. Review status: criteria provided, multiple submitters, no conflicts (2 of 4 stars). 3 submissions from 3 submitters: Likely benign (3). Last evaluated 2024-11-25.

Conditions:
Malignant hyperthermia, susceptibility to, 5 (MHS5). Also called: CACNA1S-Related Malignant Hyperthermia Susceptibility. Identifiers: Orphanet 423, MedGen C1866077, MONDO:0011163, OMIM 601887.
Hypokalemic periodic paralysis, type 1. Also called: HypoPP; Hypokalemic Periodic Paralysis Type 1 (AD). Identifiers: Orphanet 681, MedGen C3714580, MONDO:0042979, OMIM 170400.

Allele frequency attached by ClinVar (database versions not stated): ExAC 0.00002; gnomAD exomes 0.00002 and 0.00003; gnomAD 0.00003; TOPMed 0.00003.
gnomAD v4.1: 47 of 1,614,074 alleles (0.0029%); highest among the groups gnomAD compares: Middle Eastern, 0.016%; no homozygotes.

Submissions (3):

Labcorp Genetics (formerly Invitae), Labcorp
Classification: Likely benign for Hypokalemic periodic paralysis, type 1; Malignant hyperthermia, susceptibility to, 5. Last evaluated: 2024-11-25. Review status: criteria provided, single submitter. Criteria: Invitae Variant Classification Sherloc (09022015). Collection method: clinical testing. Allele origin: germline.

All of Us Research Program, National Institutes of Health
Classification: Likely benign for Malignant hyperthermia, susceptibility to, 5. Last evaluated: 2023-09-17. Review status: criteria provided, single submitter. Criteria: ACMG Guidelines, 2015. Collection method: clinical testing. Allele origin: germline. Inheritance: Autosomal dominant inheritance. Observed: 4 variant alleles, 4 heterozygotes.
Comment: This study involves interpretation of variants in research participants for the purpose of population health screening. Participant phenotype was not available at the time of variant classification. Additional details can be found in publication PMID: 35346344, PMCID: PMC8962531

Color Diagnostics, LLC DBA Color Health
Classification: Likely benign for Malignant hyperthermia, susceptibility to, 5. Last evaluated: 2022-11-06. Review status: criteria provided, single submitter. Criteria: ACMG Guidelines, 2015. Collection method: clinical testing. Allele origin: germline.

NM_000069.3(CACNA1S):c.3084G>A (p.Ala1028=)

Gene: CACNA1S (calcium voltage-gated channel subunit alpha1 S; minus strand). Cytogenetic location: 1q32.1.
Variant type: single nucleotide variant.
Coding change: c.3084G>A on transcript NM_000069.3 (MANE Select); coding-DNA position 3084, G replaced by A.
Protein change: p.Ala1028=; no amino-acid change (alanine 1028 retained).
Molecular consequence: synonymous variant.
Genome position (GRCh38, 1-based): chr1:201,061,438, C>T on the plus strand (G>A on the coding strand, the complement: CACNA1S is on the minus strand). VCF-style: chr1-201061438-C-T. GRCh37 (hg19) VCF-style: chr1-201030566-C-T.
Identifiers: ClinVar variation 778672 (VCV000778672.11), dbSNP rs764100695, ClinGen allele CA079540.